The following is an entry in ClinVar:

NM_000158.4(GBE1):c.42C>G (p.Tyr14Ter)

Gene: GBE1 (1,4-alpha-glucan branching enzyme 1; minus strand). Cytogenetic location: 3p12.2.
Variant type: single nucleotide variant.
Coding change: c.42C>G on transcript NM_000158.4 (MANE Select); coding-DNA position 42, C replaced by G.
Protein change: p.Tyr14Ter; replaces tyrosine 14 with a stop codon.
Molecular consequence: nonsense.
Genome position (GRCh38, 1-based): chr3:81,761,476, G>C on the plus strand (C>G on the coding strand, the complement: GBE1 is on the minus strand). VCF-style: chr3-81761476-G-C. GRCh37 (hg19) VCF-style: chr3-81810627-G-C.
Other names: short protein forms Y14*.
Identifiers: ClinVar variation 1440801 (VCV001440801.6), dbSNP rs1328296506, ClinGen allele CA353687039.

ClinVar aggregate classification (germline): Pathogenic (1 of 4 stars; one submission).

Conditions:
Glycogen storage disease IV, classic hepatic. Also called: GSD IV, CLASSIC HEPATIC. Identifiers: MedGen C1856301.
Glycogen storage disease, type IV (GSD4). Also called: AMYLOPECTINOSIS; ANDERSEN DISEASE; BRANCHER DEFICIENCY; CIRRHOSIS, FAMILIAL, WITH DEPOSITION OF ABNORMAL GLYCOGEN; Glycogen storage disease due to glycogen branching enzyme deficiency; GBE1 DEFICIENCY. Identifiers: Orphanet 367, MedGen C0017923, MONDO:0009292, OMIM 232500.

Allele frequency attached by ClinVar (database versions not stated): gnomAD 0.00001.
gnomAD v4.1: 7 of 1,612,784 alleles (0.00043%); highest among the groups gnomAD compares: Non-Finnish European, 0.00042%; no homozygotes.

Submission:

Labcorp Genetics (formerly Invitae), Labcorp
Classification: Pathogenic for Glycogen storage disease, type IV; Glycogen storage disease IV, classic hepatic. Last evaluated: 2024-01-20. Review status: criteria provided, single submitter. Criteria: Invitae Variant Classification Sherloc (09022015). Collection method: clinical testing. Allele origin: germline.
Comment: This sequence change creates a premature translational stop signal (p.Tyr14*) in the GBE1 gene. It is expected to result in an absent or disrupted protein product. Loss-of-function variants in GBE1 are known to be pathogenic (PMID: 15452297, 20058079). This variant is present in population databases (no rsID available, gnomAD 0.03%). This variant has not been reported in the literature in individuals affected with GBE1-related conditions. ClinVar contains an entry for this variant (Variation ID: 1440801). For these reasons, this variant has been classified as Pathogenic.

Literature cited by the submitters: PubMed 15452297; PubMed 20058079.